The following is an entry in ClinVar:

NM_004706.4(ARHGEF1):c.226C>T (p.Leu76Phe)

Gene: ARHGEF1 (Rho guanine nucleotide exchange factor 1; plus strand). Cytogenetic location: 19q13.2.
Variant type: single nucleotide variant.
Coding change: c.226C>T on transcript NM_004706.4 (MANE Select); coding-DNA position 226, C replaced by T.
Protein change: p.Leu76Phe; replaces leucine 76 with phenylalanine.
Molecular consequence: missense variant. On other transcripts: non-coding transcript variant (2), intron variant (3).
Genome position (GRCh38, 1-based): chr19:41,892,025, C>T. VCF-style: chr19-41892025-C-T. GRCh37 (hg19) VCF-style: chr19-42396096-C-T.
Other names: c.226C>T, p.Leu76Phe (NM_001396000.1, NM_001396003.1, NM_001396006.1); c.271C>T, p.Leu91Phe (NM_199002.2); c.226-306C>T (NM_001396002.1, NM_198977.2, NM_001396004.1); short protein forms L76F, L91F.
Identifiers: ClinVar variation 4727958 (VCV004727958.1).
Genomic context (GRCh38, chr19:41,892,025, plus strand): 5'-GGAGAGTGTGGTTTGAGGCAGGGTGAGGGAGCGGAGAGTCATGCTGTGTGTCTCCCCCAG[C>T]TTTGCTGTCTGCATGCCGACATGCTGGGCTCACTGGGCCCCAAGGAGGCCAAGAAGGCCT-3'
Protein context (NP_004697.2, residues 66-86): VALQFEPGPL[Leu76Phe]CCLHADMLGS

ClinVar aggregate classification (germline): Uncertain significance (1 of 4 stars; one submission).

gnomAD v4.1: 1 of 1,604,170 alleles (0.000062%); highest among the groups gnomAD compares: Non-Finnish European, 0.000085%; no homozygotes.

Submission:

Labcorp Genetics (formerly Invitae), Labcorp
Classification: Uncertain significance. Last evaluated: 2025-09-27. Review status: criteria provided, single submitter. Criteria: Invitae Variant Classification Sherloc (09022015). Collection method: clinical testing. Allele origin: germline.
Comment: This sequence change replaces leucine, which is neutral and non-polar, with phenylalanine, which is neutral and non-polar, at codon 91 of the ARHGEF1 protein (p.Leu91Phe). This variant is present in population databases (no rsID available, gnomAD 0.007%). This variant has not been reported in the literature in individuals affected with ARHGEF1-related conditions. An algorithm developed to predict the effect of missense changes on protein structure and function (PolyPhen-2) suggests that this variant is likely to be disruptive. In summary, the available evidence is currently insufficient to determine the role of this variant in disease. Therefore, it has been classified as a Variant of Uncertain Significance.